The following is an entry in ClinVar:

ClinVar aggregate classification (germline): Uncertain significance (1 of 4 stars; one submission).

Conditions:
Hereditary cancer-predisposing syndrome. Also called: Tumor predisposition; Hereditary Cancer Syndrome; Hereditary neoplastic syndrome; Neoplastic Syndromes, Hereditary. Identifiers: Orphanet 140162, MedGen C0027672, MeSH D009386, MONDO:0015356.

Submission:

Ambry Genetics
Classification: Uncertain significance for Hereditary cancer-predisposing syndrome. Last evaluated: 2026-03-02. Review status: criteria provided, single submitter. Criteria: Ambry Variant Classification Scheme 2023. Collection method: clinical testing. Allele origin: germline.
Comment: The p.R75G variant (also known as c.223C>G), located in coding exon 3 of the SDHA gene, results from a C to G substitution at nucleotide position 223. The arginine at codon 75 is replaced by glycine, an amino acid with dissimilar properties. This amino acid position is conserved. In addition, this alteration is predicted to be deleterious by in silico analysis. Since supporting evidence is limited at this time, the clinical significance of this alteration remains unclear.

NM_004168.4(SDHA):c.223C>G (p.Arg75Gly)

Gene: SDHA (succinate dehydrogenase complex flavoprotein subunit A; plus strand). Cytogenetic location: 5p15.33.
Variant type: single nucleotide variant.
Coding change: c.223C>G on transcript NM_004168.4 (MANE Select); coding-DNA position 223, C replaced by G.
Protein change: p.Arg75Gly; replaces arginine 75 with glycine.
Molecular consequence: missense variant.
Genome position (GRCh38, 1-based): chr5:224,432, C>G. VCF-style: chr5-224432-C-G. GRCh37 (hg19) VCF-style: chr5-224547-C-G.
Other names: c.223C>G, p.Arg75Gly (NM_001294332.2, NM_001330758.2); short protein forms R75G.
Identifiers: ClinVar variation 1788247 (VCV001788247.3), dbSNP rs781764920, ClinGen allele CA359008517.